The following is an entry in ClinVar:

ClinVar aggregate classification (germline): Uncertain significance (1 of 4 stars; one submission).

Conditions:
Combined immunodeficiency due to DOCK8 deficiency (HIES2). Also called: HIES autosomal recessive; HYPER-IgE RECURRENT INFECTION SYNDROME 2, AUTOSOMAL RECESSIVE; HYPER-IgE SYNDROME 2, AUTOSOMAL RECESSIVE, WITH RECURRENT INFECTIONS; DOCK8 Deficiency; Hyper-IgE recurrent infection syndrome, autosomal recessive. Identifiers: Orphanet 217390, MedGen C4722305, MONDO:0009478, OMIM 243700.

gnomAD v4.1: 2 of 1,533,324 alleles (0.00013%); highest among the groups gnomAD compares: East Asian, 0.0025%; no homozygotes.

Submission:

Labcorp Genetics (formerly Invitae), Labcorp
Classification: Uncertain significance for Combined immunodeficiency due to DOCK8 deficiency. Last evaluated: 2022-03-26. Review status: criteria provided, single submitter. Criteria: Invitae Variant Classification Sherloc (09022015). Collection method: clinical testing. Allele origin: germline.
Comment: Algorithms developed to predict the effect of sequence changes on RNA splicing suggest that this variant may disrupt the consensus splice site. In summary, the available evidence is currently insufficient to determine the role of this variant in disease. Therefore, it has been classified as a Variant of Uncertain Significance. This variant has not been reported in the literature in individuals affected with DOCK8-related conditions. This sequence change falls in intron 1 of the DOCK8 gene. It does not directly change the encoded amino acid sequence of the DOCK8 protein. This variant is present in population databases (no rsID available, gnomAD 0.01%).

NM_203447.4(DOCK8):c.54-5C>G

Gene: DOCK8 (dedicator of cytokinesis 8; plus strand). Cytogenetic location: 9p24.3.
Variant type: single nucleotide variant.
Coding change: c.54-5C>G on transcript NM_203447.4 (MANE Select); 5 bases into the intron before coding-DNA position 54, C replaced by G.
Molecular consequence: intron variant.
Genome position (GRCh38, 1-based): chr9:271,622, C>G. VCF-style: chr9-271622-C-G. GRCh37 (hg19) VCF-style: chr9-271622-C-G.
Identifiers: ClinVar variation 2117675 (VCV002117675.4), dbSNP rs1168849643, ClinGen allele CA585864192.